The following is an entry in ClinVar:

NM_012154.5(AGO2):c.1552G>T (p.Val518Leu)

Gene: AGO2 (argonaute RISC catalytic component 2; minus strand). Cytogenetic location: 8q24.3.
Variant type: single nucleotide variant.
Coding change: c.1552G>T on transcript NM_012154.5 (MANE Select); coding-DNA position 1552, G replaced by T.
Protein change: p.Val518Leu; replaces valine 518 with leucine.
Molecular consequence: missense variant.
Genome position (GRCh38, 1-based): chr8:140,549,150, C>A on the plus strand (G>T on the coding strand, the complement: AGO2 is on the minus strand). VCF-style: chr8-140549150-C-A. GRCh37 (hg19) VCF-style: chr8-141559249-C-A.
Other names: c.1552G>T, p.Val518Leu (NM_001164623.3); short protein forms V518L.
Identifiers: ClinVar variation 1683975 (VCV001683975.2), dbSNP rs2072952870, ClinGen allele CA372319435.
Genomic context (GRCh38, chr8:140,549,150, plus strand): 5'-GCCAGCGGGAGCGCCCACACCTACCGTACACGGGCGTCTTGCCGGGCAGGATGACCACCA[C>A]CAGCTGCAGGCCCGCATACGTGTTCTTCAGGTGCCGGAACATGGGCTCCACGCTGTCCGC-3'
Protein context (NP_036286.2, residues 508-528): LKNTYAGLQL[Val518Leu]VVILPGKTPV

ClinVar aggregate classification (germline): Uncertain significance (1 of 4 stars; one submission).

Allele frequency attached by ClinVar (database versions not stated): TOPMed below 0.00001.

Submission:

GeneDx
Classification: Uncertain significance. Last evaluated: 2022-05-09. Review status: criteria provided, single submitter. Criteria: GeneDx Variant Classification Process June 2021. Collection method: clinical testing. Allele origin: germline. Affected: yes.
Comment: Not observed in large population cohorts (gnomAD); In silico analysis supports that this missense variant does not alter protein structure/function; Has not been previously published as pathogenic or benign to our knowledge